The following is an entry in ClinVar:

NM_206933.4(USH2A):c.13130C>A (p.Ser4377Ter)

Gene: USH2A (usherin; minus strand). Cytogenetic location: 1q41.
Variant type: single nucleotide variant.
Coding change: c.13130C>A on transcript NM_206933.4 (MANE Select); coding-DNA position 13130, C replaced by A.
Protein change: p.Ser4377Ter; replaces serine 4377 with a stop codon.
Molecular consequence: nonsense.
Genome position (GRCh38, 1-based): chr1:215,674,781, G>T on the plus strand (C>A on the coding strand, the complement: USH2A is on the minus strand). VCF-style: chr1-215674781-G-T. GRCh37 (hg19) VCF-style: chr1-215848123-G-T.
Other names: short protein forms S4377*.
Identifiers: ClinVar variation 48412 (VCV000048412.22), dbSNP rs111033385, ClinGen allele CA262084.

ClinVar aggregate classification (germline): Pathogenic/Likely pathogenic. Review status: criteria provided, multiple submitters, no conflicts (2 of 4 stars). 8 submissions from 6 submitters: Pathogenic (3); Likely pathogenic (3). 2 of the submissions do not count toward it. Last evaluated 2023-11-04.

Conditions:
Rare genetic deafness. Identifiers: Orphanet 96210, MedGen C5680250.
Usher syndrome type 2A. Also called: RETINAL DISEASE IN USHER SYNDROME TYPE IIA, MODIFIER OF; USHER SYNDROME, TYPE IIA. Identifiers: Orphanet 231178, Orphanet 886, MedGen C1848634, MONDO:0010169, OMIM 276901.
Retinitis pigmentosa 39 (RP39). Identifiers: Orphanet 791, MedGen C3151138, MONDO:0013436, OMIM 613809.

Allele frequency attached by ClinVar (database versions not stated): ExAC 0.00001; gnomAD exomes 0.00001; ESP Exome Variant Server 0.00008.
gnomAD v4.1: 5 of 1,614,138 alleles (0.00031%); highest among the groups gnomAD compares: Non-Finnish European, 0.00042%; no homozygotes.

Submissions (8):

Genome-Nilou Lab
Classification: Likely pathogenic for Retinitis pigmentosa 39. Last evaluated: 2023-11-04. Review status: criteria provided, single submitter. Criteria: ACMG Guidelines, 2015. Collection method: clinical testing. Allele origin: germline. Affected: no.

Genome-Nilou Lab
Classification: Likely pathogenic for Usher syndrome type 2A. Last evaluated: 2023-11-04. Review status: criteria provided, single submitter. Criteria: ACMG Guidelines, 2015. Collection method: clinical testing. Allele origin: germline. Affected: no.

Labcorp Genetics (formerly Invitae), Labcorp
Classification: Pathogenic. Last evaluated: 2023-04-25. Review status: criteria provided, single submitter. Criteria: Invitae Variant Classification Sherloc (09022015). Collection method: clinical testing. Allele origin: germline.
Comment: This variant is present in population databases (rs111033385, gnomAD 0.002%). This sequence change creates a premature translational stop signal (p.Ser4377*) in the USH2A gene. It is expected to result in an absent or disrupted protein product. Loss-of-function variants in USH2A are known to be pathogenic (PMID: 10729113, 10909849, 20507924, 25649381). For these reasons, this variant has been classified as Pathogenic. ClinVar contains an entry for this variant (Variation ID: 48412). This premature translational stop signal has been observed in individuals with USH2A-related conditions (PMID: 22135276, 25558175).

Baylor Genetics
Classification: Pathogenic for Retinitis pigmentosa 39. Last evaluated: 2022-10-04. Review status: criteria provided, single submitter. Criteria: ACMG Guidelines, 2015. Collection method: clinical testing. Allele origin: unknown.

Eurofins Ntd Llc (ga)
Classification: Pathogenic. Last evaluated: 2016-02-17. Review status: criteria provided, single submitter. Criteria: EGL Classification Definitions 2015. Collection method: clinical testing. Allele origin: germline. Observed: 1 variant allele, 1 heterozygote.

Laboratory for Molecular Medicine, Mass General Brigham Personalized Medicine
Classification: Likely pathogenic for Rare genetic deafness. Last evaluated: 2008-03-01. Review status: criteria provided, single submitter. Criteria: LMM Criteria. Collection method: clinical testing. Allele origin: germline. Observed: 2 variant alleles.

Counsyl
Classification: Pathogenic for Usher syndrome type 2A. Last evaluated: 2016-08-18. Review status: no assertion criteria provided. Collection method: clinical testing. Allele origin: unknown. Not counted in ClinVar's aggregate classification.

Counsyl
Classification: Pathogenic for Retinitis pigmentosa 39. Last evaluated: 2016-08-18. Review status: no assertion criteria provided. Collection method: clinical testing. Allele origin: unknown. Not counted in ClinVar's aggregate classification.

Literature cited by the submitters: PubMed 10729113 (cited by Labcorp Genetics (formerly Invitae), Labcorp); PubMed 10909849 (cited by Labcorp Genetics (formerly Invitae), Labcorp); PubMed 20507924 (cited by Labcorp Genetics (formerly Invitae), Labcorp); PubMed 25649381 (cited by Labcorp Genetics (formerly Invitae), Labcorp); PubMed 22135276 (cited by Labcorp Genetics (formerly Invitae), Labcorp and Counsyl); PubMed 25558175 (cited by Labcorp Genetics (formerly Invitae), Labcorp and Counsyl).